The following is an entry in ClinVar:

NM_006767.4(LZTR1):c.1163G>A (p.Arg388Lys)

Gene: LZTR1 (leucine zipper like post translational regulator 1; plus strand). Cytogenetic location: 22q11.21.
Variant type: single nucleotide variant.
Coding change: c.1163G>A on transcript NM_006767.4 (MANE Select); coding-DNA position 1163, G replaced by A.
Protein change: p.Arg388Lys; replaces arginine 388 with lysine.
Molecular consequence: missense variant.
Genome position (GRCh38, 1-based): chr22:20,992,807, G>A. VCF-style: chr22-20992807-G-A. GRCh37 (hg19) VCF-style: chr22-21347096-G-A.
Other names: short protein forms R388K.
Identifiers: ClinVar variation 3360101 (VCV003360101.1).

ClinVar aggregate classification (germline): Uncertain significance (1 of 4 stars; one submission).

Submission:

GeneDx
Classification: Uncertain significance. Last evaluated: 2023-06-16. Review status: criteria provided, single submitter. Criteria: GeneDx Variant Classification Process June 2021. Collection method: clinical testing. Allele origin: germline. Affected: yes.
Comment: Not observed at significant frequency in large population cohorts (gnomAD); In silico analysis supports that this missense variant has a deleterious effect on protein structure/function; Has not been previously published as pathogenic or benign to our knowledge